The following is an entry in ClinVar:

NM_001184.4(ATR):c.5392A>T (p.Thr1798Ser)

Gene: ATR (ATR checkpoint kinase; minus strand). Cytogenetic location: 3q23.
Variant type: single nucleotide variant.
Coding change: c.5392A>T on transcript NM_001184.4 (MANE Select); coding-DNA position 5392, A replaced by T.
Protein change: p.Thr1798Ser; replaces threonine 1798 with serine.
Molecular consequence: missense variant.
Genome position (GRCh38, 1-based): chr3:142,498,763, T>A on the plus strand (A>T on the coding strand, the complement: ATR is on the minus strand). VCF-style: chr3-142498763-T-A. GRCh37 (hg19) VCF-style: chr3-142217605-T-A.
Other names: c.5200A>T, p.Thr1734Ser (NM_001354579.2); short protein forms T1734S, T1798S.
Identifiers: ClinVar variation 1747233 (VCV001747233.3), dbSNP rs1422842331, ClinGen allele CA354816404.
Genomic context (GRCh38, chr3:142,498,763, plus strand): 5'-CTGTGATATCTCTTTTTTTGGCTGATAATAATAGCTGTCCCAGTCTGACACTCCATGTTG[T>A]AGATTTTCCATCTGAAAAACAAATGAAGAGTCAAGAAATGTCACGGTAGCTGGGTCCAAG-3'
Protein context (NP_001175.2, residues 1788-1808): ENYLAADGKS[Thr1798Ser]TWSVRLGQLL

ClinVar aggregate classification (germline): Uncertain significance (1 of 4 stars; one submission).

Conditions:
Inborn genetic diseases. Identifiers: MedGen C0950123, MeSH D030342.

Allele frequency attached by ClinVar (database versions not stated): TOPMed 0.00001.
gnomAD v4.1: 2 of 1,614,100 alleles (0.00012%); highest among the groups gnomAD compares: Middle Eastern, 0.016%; no homozygotes.

Submission:

Ambry Genetics
Classification: Uncertain significance for Inborn genetic diseases. Last evaluated: 2024-04-11. Review status: criteria provided, single submitter. Criteria: Ambry Variant Classification Scheme 2023. Collection method: clinical testing. Allele origin: germline.
Comment: The p.T1798S variant (also known as c.5392A>T), located in coding exon 32 of the ATR gene, results from an A to T substitution at nucleotide position 5392. The threonine at codon 1798 is replaced by serine, an amino acid with similar properties. This amino acid position is conserved. In addition, this alteration is predicted to be tolerated by in silico analysis. Since supporting evidence is limited at this time, the clinical significance of this alteration remains unclear.